The following is an entry in ClinVar:

ClinVar aggregate classification (germline): Conflicting classifications of pathogenicity. Review status: criteria provided, conflicting classifications (1 of 4 stars). 6 submissions from 6 submitters: Uncertain significance (5); Likely benign (1). Last evaluated 2025-12-24.

Conditions:
Hypokalemic periodic paralysis, type 1. Also called: HypoPP; Hypokalemic Periodic Paralysis Type 1 (AD). Identifiers: Orphanet 681, MedGen C3714580, MONDO:0042979, OMIM 170400.
Malignant hyperthermia, susceptibility to, 5 (MHS5). Also called: CACNA1S-Related Malignant Hyperthermia Susceptibility. Identifiers: Orphanet 423, MedGen C1866077, MONDO:0011163, OMIM 601887.
Thyrotoxic periodic paralysis, susceptibility to, 1 (TTPP1). Identifiers: Orphanet 79102, MedGen C2749982, MONDO:0008570, OMIM 188580.
Inborn genetic diseases. Identifiers: MedGen C0950123, MeSH D030342.

Allele frequency attached by ClinVar (database versions not stated): ExAC 0.00001; gnomAD exomes 0.00001; TOPMed 0.00004; gnomAD 0.00005 and 0.00006; ESP Exome Variant Server 0.00008.
gnomAD v4.1: 25 of 1,614,054 alleles (0.0015%); highest among the groups gnomAD compares: African/African-American, 0.013%; no homozygotes.

Submissions (6):

Labcorp Genetics (formerly Invitae), Labcorp
Classification: Likely benign for Hypokalemic periodic paralysis, type 1; Malignant hyperthermia, susceptibility to, 5. Last evaluated: 2025-12-24. Review status: criteria provided, single submitter. Criteria: Invitae Variant Classification Sherloc (09022015). Collection method: clinical testing. Allele origin: germline.

All of Us Research Program, National Institutes of Health
Classification: Uncertain significance for Malignant hyperthermia, susceptibility to, 5. Last evaluated: 2024-08-29. Review status: criteria provided, single submitter. Criteria: ACMG Guidelines, 2015. Collection method: clinical testing. Allele origin: germline. Inheritance: Autosomal dominant inheritance. Observed: 6 variant alleles, 6 heterozygotes.
Comment: This missense variant replaces isoleucine with valine at codon 449 of the CACNA1S protein. Computational prediction is inconclusive regarding the impact of this variant on protein structure and function (internally defined REVEL score threshold 0.5 < inconclusive < 0.7, PMID: 27666373). To our knowledge, functional studies have not been reported for this variant. This variant has not been reported in individuals affected with CACNA1S-related disorders in the literature. This variant has been identified in 2/251460 chromosomes in the general population by the Genome Aggregation Database (gnomAD). The available evidence is insufficient to determine the role of this variant in disease conclusively. Therefore, this variant is classified as a Variant of Uncertain Significance.

This study involves interpretation of variants in research participants for the purpose of population health screening. Participant phenotype was not available at the time of variant classification. Additional details can be found in publication PMID: 35346344, PMCID: PMC8962531

Color Diagnostics, LLC DBA Color Health
Classification: Uncertain significance for Malignant hyperthermia, susceptibility to, 5. Last evaluated: 2024-01-30. Review status: criteria provided, single submitter. Criteria: ACMG Guidelines, 2015. Collection method: clinical testing. Allele origin: germline.
Comment: This missense variant replaces isoleucine with valine at codon 449 of the CACNA1S protein. Computational prediction is inconclusive regarding the impact of this variant on protein structure and function. To our knowledge, functional studies have not been reported for this variant. This variant has not been reported in individuals affected with CACNA1S-related disorders in the literature. This variant has been identified in 2/251460 chromosomes in the general population by the Genome Aggregation Database (gnomAD). The available evidence is insufficient to determine the role of this variant in disease conclusively. Therefore, this variant is classified as a Variant of Uncertain Significance.

Ambry Genetics
Classification: Uncertain significance for Inborn genetic diseases. Last evaluated: 2023-12-18. Review status: criteria provided, single submitter. Criteria: Ambry Variant Classification Scheme 2023. Collection method: clinical testing. Allele origin: germline.

Fulgent Genetics
Classification: Uncertain significance for Hypokalemic periodic paralysis, type 1; Thyrotoxic periodic paralysis, susceptibility to, 1; Malignant hyperthermia, susceptibility to, 5. Last evaluated: 2022-03-24. Review status: criteria provided, single submitter. Criteria: ACMG Guidelines, 2015. Collection method: clinical testing. Allele origin: unknown.

CeGaT Center for Human Genetics Tuebingen
Classification: Uncertain significance. Last evaluated: 2021-05-01. Review status: criteria provided, single submitter. Criteria: CeGaT Center For Human Genetics Tuebingen Variant Classification Criteria Version 2. Collection method: clinical testing. Allele origin: germline. Affected: yes. Observed: 1 variant allele.

NM_000069.3(CACNA1S):c.1345A>G (p.Ile449Val)

Gene: CACNA1S (calcium voltage-gated channel subunit alpha1 S; minus strand). Cytogenetic location: 1q32.1.
Variant type: single nucleotide variant.
Coding change: c.1345A>G on transcript NM_000069.3 (MANE Select); coding-DNA position 1345, A replaced by G.
Protein change: p.Ile449Val; replaces isoleucine 449 with valine.
Molecular consequence: missense variant.
Genome position (GRCh38, 1-based): chr1:201,083,210, T>C on the plus strand (A>G on the coding strand, the complement: CACNA1S is on the minus strand). VCF-style: chr1-201083210-T-C. GRCh37 (hg19) VCF-style: chr1-201052338-T-C.
Other names: short protein forms I449V.
Identifiers: ClinVar variation 860397 (VCV000860397.48), dbSNP rs369139165, ClinGen allele CA078153.
Genomic context (GRCh38, chr1:201,083,210, plus strand): 5'-GTTCCGCCTCACCTTGCAAACGGGTCAGCCAGAGAGGCTGGTTGTGGTGCTCTGAGGCGA[T>C]AGACAGGGTGTTGAGGGCAACGATGAGAATCACCAGCCAATAGAAGACCTTGGACTTCAC-3'
Protein context (NP_000060.2, residues 439-459): ILIVALNTLS[Ile449Val]ASEHHNQPLW